The following is an entry in ClinVar:

NM_032383.5(HPS3):c.356_357del (p.Lys119fs)

Gene: HPS3 (HPS3 biogenesis of lysosomal organelles complex 2 subunit 1; plus strand). Cytogenetic location: 3q24.
Variant type: Deletion.
Coding change: c.356_357del on transcript NM_032383.5 (MANE Select); coding-DNA positions 356 to 357, 2 bases deleted (AA; older notation c.356_357delAA).
Protein change: p.Lys119fs; shifts the reading frame from lysine 119.
Molecular consequence: frameshift variant. On other transcripts: intron variant (1).
Genome position (GRCh38, 1-based): chr3:149,140,142-149,140,143, AA deleted; deleting any 2 consecutive bases within chr3:149,140,141-149,140,143 gives the same sequence; the c. name uses the placement nearest the transcript's 3' end. VCF-style (leftmost placement, unchanged base first): chr3-149140140-CAA-C. GRCh37 (hg19) VCF-style: chr3-148857927-CAA-C.
Other names: c.218-875_218-874del (NM_001308258.2); short protein forms K119fs.
Identifiers: ClinVar variation 1726431 (VCV001726431.2), dbSNP rs2473068223, ClinGen allele CA2580068940.
Genomic context (GRCh38, chr3:149,140,140, plus strand): 5'-GACTGAAAACTCTCGTGTGTGTATCCGAATGATTGGGCATAATGTGGAGGGACCATTCAG[CAA>C]AGCCTTCAGAGACCAGATGTACATTATTGAAATGCCGCTTTCGGAGGCCCCCTTGTGCAT-3'

ClinVar aggregate classification (germline): Likely pathogenic (1 of 4 stars; one submission).

Conditions:
Hermansky-Pudlak syndrome 3 (HPS3). Identifiers: Orphanet 231512, Orphanet 79430, MedGen C3888001, MONDO:0013555, OMIM 614072.

Submission:

Myriad Genetics, Inc.
Classification: Likely pathogenic for Hermansky-Pudlak syndrome 3. Last evaluated: 2021-12-17. Review status: criteria provided, single submitter. Criteria: Myriad Women's Health Autosomal Recessive and X-Linked Classification Criteria (2021). Collection method: clinical testing. Allele origin: unknown.
Comment: NM_032383.3(HPS3):c.356_357delAA(K119Sfs*10) is expected to be pathogenic in the context of Hermansky-Pudlak syndrome type 3. This variant is predicted to lead to an abnormal or absent protein product due to the creation of a premature termination codon in HPS3, a gene where loss-of-function variants are known to be pathogenic. Please note: this variant was assessed in the context of healthy population screening.